The following is an entry in ClinVar:

ClinVar aggregate classification (germline): Uncertain significance (1 of 4 stars; one submission).

gnomAD v4.1: 1 of 1,611,280 alleles (0.000062%); highest among the groups gnomAD compares: Non-Finnish European, 0.000085%; no homozygotes.

Submission:

Labcorp Genetics (formerly Invitae), Labcorp
Classification: Uncertain significance. Last evaluated: 2023-02-25. Review status: criteria provided, single submitter. Criteria: Invitae Variant Classification Sherloc (09022015). Collection method: clinical testing. Allele origin: germline.
Comment: This sequence change replaces phenylalanine, which is neutral and non-polar, with serine, which is neutral and polar, at codon 695 of the POLE protein (p.Phe695Ser). In summary, the available evidence is currently insufficient to determine the role of this variant in disease. Therefore, it has been classified as a Variant of Uncertain Significance. Advanced modeling of protein sequence and biophysical properties (such as structural, functional, and spatial information, amino acid conservation, physicochemical variation, residue mobility, and thermodynamic stability) performed at Invitae indicates that this missense variant is not expected to disrupt POLE protein function. This variant has not been reported in the literature in individuals affected with POLE-related conditions. This variant is not present in population databases (gnomAD no frequency).

NM_006231.4(POLE):c.2084T>C (p.Phe695Ser)

Gene: POLE (DNA polymerase epsilon, catalytic subunit; minus strand). Cytogenetic location: 12q24.33.
Variant type: single nucleotide variant.
Coding change: c.2084T>C on transcript NM_006231.4 (MANE Select); coding-DNA position 2084, T replaced by C.
Protein change: p.Phe695Ser; replaces phenylalanine 695 with serine.
Molecular consequence: missense variant.
Genome position (GRCh38, 1-based): chr12:132,668,445, A>G on the plus strand (T>C on the coding strand, the complement: POLE is on the minus strand). VCF-style: chr12-132668445-A-G. GRCh37 (hg19) VCF-style: chr12-133245031-A-G.
Other names: short protein forms F695S.
Identifiers: ClinVar variation 2840826 (VCV002840826.3), dbSNP rs754857680, ClinGen allele CA387354101.